The following is an entry in ClinVar:

ClinVar aggregate classification (germline): Uncertain significance (1 of 4 stars; one submission).

Submission:

GeneDx
Classification: Uncertain significance. Last evaluated: 2026-02-04. Review status: criteria provided, single submitter. Criteria: GeneDx Variant Classification Process June 2021. Collection method: clinical testing. Allele origin: germline.
Comment: Not observed at significant frequency in large population cohorts (gnomAD); In silico analysis supports that this missense variant has a deleterious effect on protein structure/function; Has not been previously published as pathogenic or benign to our knowledge.

NM_001244008.2(KIF1A):c.3746G>T (p.Gly1249Val)

Gene: KIF1A (kinesin family member 1A; minus strand). Cytogenetic location: 2q37.3.
Variant type: single nucleotide variant.
Coding change: c.3746G>T on transcript NM_001244008.2 (MANE Select); coding-DNA position 3746, G replaced by T.
Protein change: p.Gly1249Val; replaces glycine 1249 with valine.
Molecular consequence: missense variant.
Genome position (GRCh38, 1-based): chr2:240,741,272, C>A on the plus strand (G>T on the coding strand, the complement: KIF1A is on the minus strand). VCF-style: chr2-240741272-C-A. GRCh37 (hg19) VCF-style: chr2-241680689-C-A.
Other names: c.3470G>T, p.Gly1157Val (NM_001320705.2, NM_001330289.2, NM_001379638.1); c.3545G>T, p.Gly1182Val (NM_001330290.2, NM_001379634.1, NM_001379635.1 and 1 more transcripts); c.3821G>T, p.Gly1274Val (NM_001379631.1); c.3695G>T, p.Gly1232Val (NM_001379632.1); c.3719G>T, p.Gly1240Val (NM_001379633.1, NM_001379642.1, NM_001379645.1); c.3443G>T, p.Gly1148Val (NM_001379636.1, NM_001379639.1, NM_001379641.1 and 5 more transcripts); c.3518G>T, p.Gly1173Val (NM_001379637.1, NM_001379648.1); c.3440G>T, p.Gly1147Val (NM_001379640.1); short protein forms G1147V, G1148V, G1157V, G1173V, G1182V, G1232V, G1240V, G1249V.
Identifiers: ClinVar variation 4975709 (VCV004975709.1).